The following is an entry in ClinVar:

ClinVar aggregate classification (germline): Uncertain significance (1 of 4 stars; one submission).

Submission:

Ambry Genetics
Classification: Uncertain significance. Last evaluated: 2024-02-27. Review status: criteria provided, single submitter. Criteria: Ambry Variant Classification Scheme 2023. Collection method: clinical testing. Allele origin: germline.
Comment: The p.L2568Q variant (also known as c.7703T>A), located in coding exon 30 of the POLQ gene, results from a T to A substitution at nucleotide position 7703. The leucine at codon 2568 is replaced by glutamine, an amino acid with dissimilar properties. This amino acid position is conserved. In addition, this alteration is predicted to be deleterious by in silico analysis. Based on the available evidence, the clinical significance of this alteration remains unclear.

NM_199420.4(POLQ):c.7703T>A (p.Leu2568Gln)

Gene: POLQ (DNA polymerase theta; minus strand). Cytogenetic location: 3q13.33.
Variant type: single nucleotide variant.
Coding change: c.7703T>A on transcript NM_199420.4 (MANE Select); coding-DNA position 7703, T replaced by A.
Protein change: p.Leu2568Gln; replaces leucine 2568 with glutamine.
Molecular consequence: missense variant.
Genome position (GRCh38, 1-based): chr3:121,432,374, A>T on the plus strand (T>A on the coding strand, the complement: POLQ is on the minus strand). VCF-style: chr3-121432374-A-T. GRCh37 (hg19) VCF-style: chr3-121151221-A-T.
Other names: short protein forms L2568Q.
Identifiers: ClinVar variation 3230173 (VCV003230173.1), dbSNP rs2546744357, ClinGen allele CA354092884.
Genomic context (GRCh38, chr3:121,432,374, plus strand): 5'-AAGTCCTTTAGCTCTCCCCAGCTGGCGCCTATTTTCACTTTCACTTTCAATTTCACAGAC[A>T]GTTTTACAGCACTTTCCATTTCATTCTTGACAATCTGAGCTACCTAAGGAAAAAAAAAAT-3'
Protein context (NP_955452.3, residues 2558-2578): VKNEMESAVK[Leu2568Gln]SVKLKVKVKI